The following is an entry in ClinVar:

NM_003126.4(SPTA1):c.2909C>A (p.Ala970Asp)

Gene: SPTA1 (spectrin alpha, erythrocytic 1; minus strand). Cytogenetic location: 1q23.1.
Variant type: single nucleotide variant.
Coding change: c.2909C>A on transcript NM_003126.4 (MANE Select); coding-DNA position 2909, C replaced by A.
Protein change: p.Ala970Asp; replaces alanine 970 with aspartic acid.
Molecular consequence: missense variant.
Genome position (GRCh38, 1-based): chr1:158,654,738, G>T on the plus strand (C>A on the coding strand, the complement: SPTA1 is on the minus strand). VCF-style: chr1-158654738-G-T. GRCh37 (hg19) VCF-style: chr1-158624528-G-T.
Other names: short protein forms A970D.
Identifiers: ClinVar variation 12846 (VCV000012846.36), dbSNP rs35948326, ClinGen allele CA122749.

ClinVar aggregate classification (germline): Benign/Likely benign. Review status: criteria provided, multiple submitters, no conflicts (2 of 4 stars). 11 submissions from 11 submitters: Benign (6); Likely benign (4). 1 of the submissions does not count toward it. Last evaluated 2026-02-03.

Conditions:
Hereditary spherocytosis type 3. Also called: Spherocytosis type 3; SPTA1-Related Spherocytosis. Identifiers: Orphanet 822, MedGen C2678338, MONDO:0010053, OMIM 270970.
Pyropoikilocytosis, hereditary. Also called: Pyropoikilocytosis. Identifiers: MedGen C0520739, MONDO:0009948, OMIM 266140, HP:0004839. Disease mechanism: loss of function.
Elliptocytosis 2 (EL2). Also called: ELLIPTOCYTOSIS, RHESUS-UNLINKED TYPE. Identifiers: Orphanet 288, MedGen C1851741, MONDO:0007533, OMIM 130600.
SPHEROCYTOSIS, TYPE 3, AUTOSOMAL RECESSIVE. Identifiers: MedGen C4016379.

Allele frequency attached by ClinVar (database versions not stated): 1000 Genomes Project 0.01418; 1000 Genomes Project 30x 0.01577; gnomAD 0.03272 and 0.03419; ExAC 0.03273; TOPMed 0.03292; gnomAD exomes 0.03302 and 0.04232.
gnomAD v4.1: 66,687 of 1,613,594 alleles (4.1%); highest among the groups gnomAD compares: Non-Finnish European, 4.8%; 1,587 homozygotes.

Submissions (11):

Labcorp Genetics (formerly Invitae), Labcorp
Classification: Benign. Last evaluated: 2026-02-03. Review status: criteria provided, single submitter. Criteria: Invitae Variant Classification Sherloc (09022015). Collection method: clinical testing. Allele origin: germline.

ARUP Laboratories, Molecular Genetics and Genomics, ARUP Laboratories
Classification: Benign. Last evaluated: 2025-07-31. Review status: criteria provided, single submitter. Criteria: ARUP Molecular Germline Variant Investigation Process 2024. Collection method: clinical testing. Allele origin: germline.

Blueprint Genetics
Classification: Likely benign. Last evaluated: 2024-11-26. Review status: criteria provided, single submitter. Criteria: ACMG Guidelines, 2015. Collection method: clinical testing. Allele origin: germline.

Mayo Clinic Laboratories, Mayo Clinic
Classification: Benign. Last evaluated: 2024-06-05. Review status: criteria provided, single submitter. Criteria: ACMG Guidelines, 2015. Collection method: clinical testing. Allele origin: germline. Observed: 198 variant alleles.

Fulgent Genetics
Classification: Benign for Elliptocytosis 2; Pyropoikilocytosis, hereditary; Hereditary spherocytosis type 3. Last evaluated: 2021-07-29. Review status: criteria provided, single submitter. Criteria: ACMG Guidelines, 2015. Collection method: clinical testing. Allele origin: unknown.

Mendelics
Classification: Benign for Pyropoikilocytosis, hereditary. Last evaluated: 2019-05-28. Review status: criteria provided, single submitter. Criteria: Mendelics Assertion Criteria 2017. Collection method: clinical testing. Allele origin: unknown.

Illumina Laboratory Services, Illumina
Classification: Likely benign for Hereditary spherocytosis type 3. Last evaluated: 2017-04-27. Review status: criteria provided, single submitter. Criteria: ICSL Variant Classification Criteria 13 December 2019. Collection method: clinical testing. Allele origin: germline.
Comment: This variant was observed as part of a predisposition screen in an ostensibly healthy population. A literature search was performed for the gene, cDNA change, and amino acid change (where applicable). No publications were found based on this search. Allele frequency data from public databases allowed determination this variant is unlikely to cause disease. Therefore, this variant is classified as likely benign.

Laboratory for Molecular Medicine, Mass General Brigham Personalized Medicine
Classification: Benign. Last evaluated: 2016-03-28. Review status: criteria provided, single submitter. Criteria: LMM Criteria. Collection method: clinical testing. Allele origin: germline.
Comment: Variant identified in a genome or exome case(s) and assessed due to predicted null impact of the variant or pathogenic assertions in the literature or databases. Disclaimer: This variant has not undergone full assessment. The following are preliminary notes: frequency

Breakthrough Genomics
Classification: Likely benign. Review status: criteria provided, single submitter. Criteria: ACMG Guidelines, 2015. Collection method: not provided. Allele origin: germline. Inheritance: Autosomal recessive inheritance. Affected: yes.

PreventionGenetics, part of Exact Sciences
Classification: Likely benign. Review status: criteria provided, single submitter. Criteria: ACMG Guidelines, 2015. Collection method: clinical testing. Allele origin: germline.

OMIM
Classification: Pathogenic for SPHEROCYTOSIS, TYPE 3, AUTOSOMAL RECESSIVE. Last evaluated: 1993-09-01. Review status: no assertion criteria provided. Collection method: literature only. Allele origin: germline. Not counted in ClinVar's aggregate classification.

Literature cited by the submitters: PubMed 3785322 (cited by OMIM); Marchesi, S. L., Agre, P. A., Speicher, D. W., Tse, W. T., Forget, B. G. Mutant spectrin alpha-II domain in recessively inherited spherocytosis. (Abstract) Blood 74: 182A, 1989. (cited by OMIM); PubMed 8370581 (cited by OMIM).